The following is an entry in ClinVar:

ClinVar aggregate classification (germline): Uncertain significance (1 of 4 stars; one submission).

Conditions:
Cardiovascular phenotype. Identifiers: MedGen CN230736.

gnomAD v4.1: 1 of 1,612,924 alleles (0.000062%); highest among the groups gnomAD compares: African/African-American, 0.0013%; no homozygotes.

Submission:

Ambry Genetics
Classification: Uncertain significance for Cardiovascular phenotype. Last evaluated: 2024-12-28. Review status: criteria provided, single submitter. Criteria: Ambry Variant Classification Scheme 2023. Collection method: clinical testing. Allele origin: germline.
Comment: The p.R148L variant (also known as c.443G>T), located in coding exon 4 of the LDB3 gene, results from a G to T substitution at nucleotide position 443. The arginine at codon 148 is replaced by leucine, an amino acid with dissimilar properties. This amino acid position is conserved. In addition, this alteration is predicted to be tolerated by in silico analysis. Based on the available evidence, the clinical significance of this variant remains unclear.

NM_007078.3(LDB3):c.443G>T (p.Arg148Leu)

Gene: LDB3 (LIM domain binding 3; plus strand). Cytogenetic location: 10q23.2.
Variant type: single nucleotide variant.
Coding change: c.443G>T on transcript NM_007078.3 (MANE Select); coding-DNA position 443, G replaced by T.
Protein change: p.Arg148Leu; replaces arginine 148 with leucine.
Molecular consequence: missense variant. On other transcripts: intron variant (5).
Genome position (GRCh38, 1-based): chr10:86,681,557, G>T. VCF-style: chr10-86681557-G-T. GRCh37 (hg19) VCF-style: chr10-88441314-G-T.
Other names: c.443G>T, p.Arg148Leu (NM_001080115.2, NM_001171610.2, NM_001171611.2 and 3 more transcripts); c.321+1400G>T (NM_001368068.1, NM_001368066.1, NM_001080114.2 and 2 more transcripts); short protein forms R148L.
Identifiers: ClinVar variation 3866769 (VCV003866769.1).
Genomic context (GRCh38, chr10:86,681,557, plus strand): 5'-CCAGCCCAGGCACCCCAGGCACCCCGGAGCTCAGGCCCACCTTTAGCCCTGCCTTCTCCC[G>T]GCCCTCCGCCTTCTCCTCACTCGCCGAGGCCTCTGACCCTGGCCCTCCGCGGGCCAGCCT-3'
Protein context (NP_009009.1, residues 138-158): LRPTFSPAFS[Arg148Leu]PSAFSSLAEA